The following is an entry in ClinVar:

ClinVar aggregate classification (germline): Conflicting classifications of pathogenicity. Review status: criteria provided, conflicting classifications (1 of 4 stars). 6 submissions from 6 submitters: Uncertain significance (1); Likely benign (5). Last evaluated 2026-01-20.

Conditions:
PKP2-related disorder. Also called: PKP2-related condition.
Cardiovascular phenotype. Identifiers: MedGen CN230736.
Arrhythmogenic right ventricular cardiomyopathy (ARVD). Also called: Arrhythmogenic right ventricular dysplasia; Cardiomyopathy, ARVC; Arrhythmogenic Right Ventricular Cardiomyopathy (ARVC); Arrhythmogenic cardiomyopathy. Identifiers: Orphanet 247, MedGen C0349788, MeSH D019571, MONDO:0016587. Disease mechanism: loss of function. Inheritance: Various modes of inheritance.
Cardiomyopathy (CMYO). Also called: Cardiomyopathies. Identifiers: Orphanet 167848, MedGen C0878544, MONDO:0004994, HP:0001638. Inheritance: Various modes of inheritance.
Arrhythmogenic right ventricular dysplasia 9 (ARVD9). Also called: Arrhythmogenic Right Ventricular Dysplasia/Cardiomyopathy 9; ARRHYTHMOGENIC RIGHT VENTRICULAR DYSPLASIA, FAMILIAL, 9. Identifiers: MedGen C1836906, MONDO:0012180, OMIM 609040.

Allele frequency attached by ClinVar (database versions not stated): gnomAD exomes below 0.00001 and 0.00001; TOPMed 0.00010; gnomAD 0.00012 and 0.00010; ExAC 0.00002.
gnomAD v4.1: 17 of 614,948 alleles (0.0028%); highest among the groups gnomAD compares: African/African-American, 0.032%; no homozygotes.

Submissions (6):

PreventionGenetics, part of Exact Sciences
Classification: Likely benign for PKP2-related condition. Last evaluated: 2026-01-20. Review status: criteria provided, single submitter. Criteria: ACMG Guidelines, 2015. Collection method: clinical testing. Allele origin: germline.
Comment: This variant is classified as likely benign based on ACMG/AMP sequence variant interpretation guidelines (Richards et al. 2015 PMID: 25741868, with internal and published modifications).

Labcorp Genetics (formerly Invitae), Labcorp
Classification: Likely benign for Arrhythmogenic right ventricular dysplasia 9. Last evaluated: 2026-01-13. Review status: criteria provided, single submitter. Criteria: Invitae Variant Classification Sherloc (09022015). Collection method: clinical testing. Allele origin: germline.

Ambry Genetics
Classification: Uncertain significance for Cardiovascular phenotype. Last evaluated: 2025-03-14. Review status: criteria provided, single submitter. Criteria: Ambry Variant Classification Scheme 2023. Collection method: clinical testing. Allele origin: germline.
Comment: The c.1482A>G variant (also known as p.S494S), located in coding exon 6 of the PKP2 gene, results from an A to G substitution at nucleotide position 1482. This nucleotide substitution does not change the serine at codon 494. This nucleotide position is highly conserved in available vertebrate species. In silico splice site analysis for this alteration is inconclusive. In addition, coding exon 6 is alternatively spliced, and the predominant isoform in human cardiac tissue, PKP2A, does not include this exon (Gandjbakhch E et al. Heart. 2011;97(10):844-9). Since supporting evidence is limited at this time, the clinical significance of this alteration remains unclear.

All of Us Research Program, National Institutes of Health
Classification: Likely benign for Arrhythmogenic right ventricular cardiomyopathy. Last evaluated: 2023-11-20. Review status: criteria provided, single submitter. Criteria: ACMG Guidelines, 2015. Collection method: clinical testing. Allele origin: germline. Inheritance: Autosomal dominant inheritance. Observed: 9 variant alleles, 9 heterozygotes.
Comment: This study involves interpretation of variants in research participants for the purpose of population health screening. Participant phenotype was not available at the time of variant classification. Additional details can be found in publication PMID: 35346344, PMCID: PMC8962531

Color Diagnostics, LLC DBA Color Health
Classification: Likely benign for Cardiomyopathy. Last evaluated: 2020-01-10. Review status: criteria provided, single submitter. Criteria: ACMG Guidelines, 2015. Collection method: clinical testing. Allele origin: germline.

Laboratory for Molecular Medicine, Mass General Brigham Personalized Medicine
Classification: Likely benign. Last evaluated: 2012-08-15. Review status: criteria provided, single submitter. Criteria: LMM Criteria. Collection method: clinical testing. Allele origin: germline. Observed: 1 variant allele.
Comment: Ser494Ser in exon 6 of PKP2: This variant is not expected to have clinical signi ficance because it does not alter an amino acid residue and is not located withi n the splice consensus sequence. Ser494Ser in exon 6 of PKP2 (allele frequency = n/a)

NM_001005242.3(PKP2):c.1379-2005A>G

Gene: PKP2 (plakophilin 2; minus strand). Cytogenetic location: 12p11.21.
Variant type: single nucleotide variant.
Coding change: c.1379-2005A>G on transcript NM_001005242.3 (MANE Select); 2005 bases into the intron before coding-DNA position 1379, A replaced by G.
Molecular consequence: intron variant. On other transcripts: synonymous variant (1).
Genome position (GRCh38, 1-based): chr12:32,843,210, T>C on the plus strand (A>G on the coding strand, the complement: PKP2 is on the minus strand). VCF-style: chr12-32843210-T-C. GRCh37 (hg19) VCF-style: chr12-32996144-T-C.
Other names: c.1482A>G, p.Ser494= (NM_004572.4).
Identifiers: ClinVar variation 45026 (VCV000045026.22), dbSNP rs397516995, ClinGen allele CA010564.